The following is an entry in ClinVar:

NM_020778.5(ALPK3):c.3868G>A (p.Gly1290Ser)

Gene: ALPK3 (alpha kinase 3; plus strand). Cytogenetic location: 15q25.3.
Variant type: single nucleotide variant.
Coding change: c.3868G>A on transcript NM_020778.5 (MANE Select); coding-DNA position 3868, G replaced by A.
Protein change: p.Gly1290Ser; replaces glycine 1290 with serine.
Molecular consequence: missense variant.
Genome position (GRCh38, 1-based): chr15:84,859,293, G>A. VCF-style: chr15-84859293-G-A. GRCh37 (hg19) VCF-style: chr15-85402524-G-A.
Other names: c.4474G>A (NM_020778.4); short protein forms G1290S.
Identifiers: ClinVar variation 2167912 (VCV002167912.5), dbSNP rs760195718, ClinGen allele CA7709754.

ClinVar aggregate classification (germline): Uncertain significance. Review status: criteria provided, multiple submitters, no conflicts (2 of 4 stars). 2 submissions from 2 submitters: Uncertain significance (2). Last evaluated 2026-03-19.

Conditions:
Cardiovascular phenotype. Identifiers: MedGen CN230736.

Allele frequency attached by ClinVar (database versions not stated): ExAC 0.00001; gnomAD exomes 0.00001; TOPMed 0.00001.
gnomAD v4.1: 13 of 1,614,136 alleles (0.00081%); highest among the groups gnomAD compares: Admixed American, 0.0033%; no homozygotes.

Submissions (2):

Ambry Genetics
Classification: Uncertain significance for Cardiovascular phenotype. Last evaluated: 2026-03-19. Review status: criteria provided, single submitter. Criteria: Ambry Variant Classification Scheme 2023. Collection method: clinical testing. Allele origin: germline.

Labcorp Genetics (formerly Invitae), Labcorp
Classification: Uncertain significance. Last evaluated: 2025-11-11. Review status: criteria provided, single submitter. Criteria: Invitae Variant Classification Sherloc (09022015). Collection method: clinical testing. Allele origin: germline.
Comment: This sequence change replaces glycine, which is neutral and non-polar, with serine, which is neutral and polar, at codon 1492 of the ALPK3 protein (p.Gly1492Ser). This variant is not present in population databases (gnomAD no frequency). This variant has not been reported in the literature in individuals affected with ALPK3-related conditions. ClinVar contains an entry for this variant (Variation ID: 2167912). Invitae Evidence Modeling of protein sequence and biophysical properties (such as structural, functional, and spatial information, amino acid conservation, physicochemical variation, residue mobility, and thermodynamic stability) indicates that this missense variant is expected to disrupt ALPK3 protein function with a positive predictive value of 80%. In summary, the available evidence is currently insufficient to determine the role of this variant in disease. Therefore, it has been classified as a Variant of Uncertain Significance.